The following is an entry in ClinVar:

ClinVar aggregate classification (germline): Likely benign. Review status: criteria provided, single submitter (1 of 4 stars). 2 submissions from 2 submitters: Likely benign (1). 1 of the submissions does not count toward it. Last evaluated 2024-03-22.

Conditions:
ACADL-related disorder. Also called: ACADL-related condition.

Allele frequency attached by ClinVar (database versions not stated): gnomAD exomes 0.00007; gnomAD 0.00015; ExAC 0.00026; TOPMed 0.00032; 1000 Genomes Project 0.00060; 1000 Genomes Project 30x 0.00078.
gnomAD v4.1: 127 of 1,552,944 alleles (0.0082%); highest among the groups gnomAD compares: Admixed American, 0.15%; 1 homozygote.

Submissions (2):

Blueprint Genetics
Classification: Likely benign. Last evaluated: 2024-03-22. Review status: criteria provided, single submitter. Criteria: ACMG Guidelines, 2015. Collection method: clinical testing. Allele origin: germline.

PreventionGenetics, part of Exact Sciences
Classification: Likely benign for ACADL-related condition. Last evaluated: 2019-02-27. Review status: no assertion criteria provided. Collection method: clinical testing. Allele origin: germline. Not counted in ClinVar's aggregate classification.
Comment: This variant is classified as likely benign based on ACMG/AMP sequence variant interpretation guidelines (Richards et al. 2015 PMID: 25741868, with internal and published modifications).

NM_001608.4(ACADL):c.870+10G>A

Gene: ACADL (acyl-CoA dehydrogenase long chain; minus strand). Cytogenetic location: 2q34.
Variant type: single nucleotide variant.
Coding change: c.870+10G>A on transcript NM_001608.4 (MANE Select); 10 bases into the intron after coding-DNA position 870, G replaced by A.
Molecular consequence: intron variant.
Genome position (GRCh38, 1-based): chr2:210,204,571, C>T on the plus strand (G>A on the coding strand, the complement: ACADL is on the minus strand). VCF-style: chr2-210204571-C-T. GRCh37 (hg19) VCF-style: chr2-211069295-C-T.
Identifiers: ClinVar variation 3040544 (VCV003040544.3), dbSNP rs186650618, ClinGen allele CA2084898.